The following is an entry in ClinVar:

ClinVar aggregate classification (germline): Uncertain significance (1 of 4 stars; one submission).

Submission:

GeneDx
Classification: Uncertain significance. Last evaluated: 2023-12-18. Review status: criteria provided, single submitter. Criteria: GeneDx Variant Classification Process June 2021. Collection method: clinical testing. Allele origin: germline. Affected: yes.
Comment: Not observed at significant frequency in large population cohorts (gnomAD); Frameshift variant predicted to result in protein truncation or nonsense mediated decay in a gene or region of a gene for which loss of function is not a well-established mechanism of disease; Has not been previously published as pathogenic or benign to our knowledge

NM_007325.5(GRIA3):c.887del (p.Pro296fs)

Gene: GRIA3 (glutamate ionotropic receptor AMPA type subunit 3; plus strand). Cytogenetic location: Xq25.
Variant type: Deletion.
Coding change: c.887del on transcript NM_007325.5 (MANE Select); coding-DNA position 887, one base deleted (C; older notation c.887delC).
Protein change: p.Pro296fs; shifts the reading frame from proline 296.
Molecular consequence: frameshift variant.
Genome position (GRCh38, 1-based): chrX:123,395,104, C deleted; the last of 3 consecutive C bases (chrX:123,395,102-123,395,104); deleting any one gives the same sequence. VCF-style (leftmost placement, unchanged base first): chrX-123395101-TC-T. GRCh37 (hg19) VCF-style: chrX-122528952-TC-T.
Other names: c.887del, p.Pro296fs (NM_000828.5); short protein forms P296fs.
Identifiers: ClinVar variation 3365804 (VCV003365804.1).
Genomic context (GRCh38, chrX:123,395,101, plus strand): 5'-ATGAAAACCCTATGGTTCAGCAGTTCATACAGCGCTGGGTGAGGCTGGATGAAAGGGAAT[TC>T]CCTGAAGCCAAGAATGCACCACTAAAGGTAATGTTCCATGGCATGTAAAAAACCTAAGGC-3'